The following is an entry in ClinVar:

ClinVar aggregate classification (germline): Pathogenic (1 of 4 stars; one submission).

Conditions:
Vici syndrome (VICIS). Identifiers: Orphanet 1493, MedGen C1855772, MONDO:0009452, OMIM 242840.

Submission:

Labcorp Genetics (formerly Invitae), Labcorp
Classification: Pathogenic for Vici syndrome. Last evaluated: 2023-01-31. Review status: criteria provided, single submitter. Criteria: Invitae Variant Classification Sherloc (09022015). Collection method: clinical testing. Allele origin: germline.
Comment: This sequence change creates a premature translational stop signal (p.Arg469Lysfs*23) in the EPG5 gene. It is expected to result in an absent or disrupted protein product. Loss-of-function variants in EPG5 are known to be pathogenic (PMID: 23222957, 23674064). This variant is not present in population databases (gnomAD no frequency). This variant has not been reported in the literature in individuals affected with EPG5-related conditions. For these reasons, this variant has been classified as Pathogenic.

Literature cited by the submitters: PubMed 23222957; PubMed 23674064.

NM_020964.3(EPG5):c.1405dup (p.Arg469fs)

Gene: EPG5 (ectopic P-granules 5 autophagy tethering factor; minus strand). Cytogenetic location: 18q21.1.
Variant type: Duplication.
Coding change: c.1405dup on transcript NM_020964.3 (MANE Select); coding-DNA position 1405, one base duplicated (A; older notation c.1405dupA).
Protein change: p.Arg469fs; shifts the reading frame from arginine 469.
Molecular consequence: frameshift variant.
Genome position (GRCh38, 1-based): chr18:45,949,576, T duplicated on the plus strand (A on the coding strand, the reverse complement: EPG5 is on the minus strand); the first of 3 consecutive T bases (chr18:45,949,576-45,949,578); duplicating any one gives the same sequence. VCF-style (leftmost placement, unchanged base first): chr18-45949575-C-CT. GRCh37 (hg19) VCF-style: chr18-43529541-C-CT.
Other names: c.1405dup, p.Arg469fs (NM_001410858.1, NM_001410859.1); short protein forms R469fs.
Identifiers: ClinVar variation 2833168 (VCV002833168.3), dbSNP rs2512074031, ClinGen allele CA2739268696.